The following is an entry in ClinVar:

NM_033109.5(PNPT1):c.976+4A>T

Gene: PNPT1 (polyribonucleotide nucleotidyltransferase 1; minus strand). Cytogenetic location: 2p16.1.
Variant type: single nucleotide variant.
Coding change: c.976+4A>T on transcript NM_033109.5 (MANE Select); 4 bases into the intron after coding-DNA position 976, A replaced by T.
Molecular consequence: intron variant.
Genome position (GRCh38, 1-based): chr2:55,671,315, T>A on the plus strand (A>T on the coding strand, the complement: PNPT1 is on the minus strand). VCF-style: chr2-55671315-T-A. GRCh37 (hg19) VCF-style: chr2-55898450-T-A.
Identifiers: ClinVar variation 2086188 (VCV002086188.2), dbSNP rs372756807, ClinGen allele CA1668280.

ClinVar aggregate classification (germline): Uncertain significance (1 of 4 stars; one submission).

Allele frequency attached by ClinVar (database versions not stated): ExAC 0.00001; ESP Exome Variant Server 0.00008.
gnomAD v4.1: 3 of 1,469,074 alleles (0.0002%); highest among the groups gnomAD compares: African/African-American, 0.0044%; no homozygotes.

Submission:

Labcorp Genetics (formerly Invitae), Labcorp
Classification: Uncertain significance. Last evaluated: 2022-05-06. Review status: criteria provided, single submitter. Criteria: Invitae Variant Classification Sherloc (09022015). Collection method: clinical testing. Allele origin: germline.
Comment: This variant has not been reported in the literature in individuals affected with PNPT1-related conditions. In summary, the available evidence is currently insufficient to determine the role of this variant in disease. Therefore, it has been classified as a Variant of Uncertain Significance. Variants that disrupt the consensus splice site are a relatively common cause of aberrant splicing (PMID: 17576681, 9536098). Algorithms developed to predict the effect of sequence changes on RNA splicing suggest that this variant is not likely to affect RNA splicing. This variant is present in population databases (rs372756807, gnomAD 0.009%). This sequence change falls in intron 11 of the PNPT1 gene. It does not directly change the encoded amino acid sequence of the PNPT1 protein. It affects a nucleotide within the consensus splice site.

Literature cited by the submitters: PubMed 17576681; PubMed 9536098.